The following is an entry in ClinVar:

NM_005236.3(ERCC4):c.1787C>A (p.Ala596Glu)

Gene: ERCC4 (ERCC excision repair 4, endonuclease catalytic subunit; plus strand). Cytogenetic location: 16p13.12.
Variant type: single nucleotide variant.
Coding change: c.1787C>A on transcript NM_005236.3 (MANE Select); coding-DNA position 1787, C replaced by A.
Protein change: p.Ala596Glu; replaces alanine 596 with glutamic acid.
Molecular consequence: missense variant.
Genome position (GRCh38, 1-based): chr16:13,935,719, C>A. VCF-style: chr16-13935719-C-A. GRCh37 (hg19) VCF-style: chr16-14029576-C-A.
Other names: short protein forms A596E.
Identifiers: ClinVar variation 662825 (VCV000662825.10), dbSNP rs751782722, ClinGen allele CA7910535.
Genomic context (GRCh38, chr16:13,935,719, plus strand): 5'-GATACGTGGTTCTTTATGACGCAGAGCTAACCTTTGTTCGGCAGCTTGAAATTTACAGGG[C>A]GAGTAGGCCTGGGAAACCTCTGAGGCAAGTTATAAAGAATCACAGCTTTCAGTTGCACAG-3'
Protein context (NP_005227.1, residues 586-606): TFVRQLEIYR[Ala596Glu]SRPGKPLRVY

ClinVar aggregate classification (germline): Conflicting classifications of pathogenicity. Review status: criteria provided, conflicting classifications (1 of 4 stars). 2 submissions from 2 submitters: Likely pathogenic (1); Uncertain significance (1). Last evaluated 2025-02-24.

Conditions:
Ovarian cancer. Also called: OVARIAN CANCER, SOMATIC. Identifiers: Orphanet 213500, MedGen C1140680, MONDO:0008170, OMIM 167000.
Fanconi anemia complementation group Q. Identifiers: Orphanet 84, MedGen C3808988, MONDO:0014108, OMIM 615272.
Cockayne syndrome. Identifiers: Orphanet 191, MedGen C0009207, MONDO:0016006.
Xeroderma pigmentosum, group F (XPF). Also called: XERODERMA PIGMENTOSUM, COMPLEMENTATION GROUP F; XERODERMA PIGMENTOSUM VI; XP, GROUP F; XERODERMA PIGMENTOSUM, TYPE F; Xeroderma pigmentosum, type 6; ERCC4-Related Xeroderma Pigmentosum. Identifiers: MedGen C0268140, MONDO:0010215, OMIM 278760.

Allele frequency attached by ClinVar (database versions not stated): gnomAD 0.00001; TOPMed 0.00001; gnomAD exomes 0.00003.
gnomAD v4.1: 11 of 1,613,626 alleles (0.00068%); highest among the groups gnomAD compares: East Asian, 0.025%; no homozygotes.

Submissions (2):

Labcorp Genetics (formerly Invitae), Labcorp
Classification: Uncertain significance for Fanconi anemia complementation group Q; Xeroderma pigmentosum, group F; Cockayne syndrome. Last evaluated: 2025-02-24. Review status: criteria provided, single submitter. Criteria: Invitae Variant Classification Sherloc (09022015). Collection method: clinical testing. Allele origin: germline.
Comment: This sequence change replaces alanine, which is neutral and non-polar, with glutamic acid, which is acidic and polar, at codon 596 of the ERCC4 protein (p.Ala596Glu). This variant is present in population databases (rs751782722, gnomAD 0.04%). This variant has not been reported in the literature in individuals affected with ERCC4-related conditions. ClinVar contains an entry for this variant (Variation ID: 662825). Invitae Evidence Modeling of protein sequence and biophysical properties (such as structural, functional, and spatial information, amino acid conservation, physicochemical variation, residue mobility, and thermodynamic stability) indicates that this missense variant is expected to disrupt ERCC4 protein function with a positive predictive value of 80%. In summary, the available evidence is currently insufficient to determine the role of this variant in disease. Therefore, it has been classified as a Variant of Uncertain Significance.

Laboratory of Molecular Epidemiology of Birth Defects, West China Second University Hospital, Sichuan University
Classification: Likely pathogenic for Ovarian cancer. Last evaluated: 2022-01-01. Review status: criteria provided, single submitter. Criteria: ACMG Guidelines, 2015. Collection method: clinical testing. Allele origin: germline. Affected: yes.